The following is an entry in ClinVar:

ClinVar aggregate classification (germline): Likely benign (1 of 4 stars; one submission).

Conditions:
Malignant hyperthermia, susceptibility to, 1 (MHS1). Also called: Anesthesia related hyperthermia; Malignant hyperpyrexia; Fulminating hyperpyrexia; Pharmacogenic myopathy; Malignant hyperthermia suceptibility 1; RYR1-Related Malignant Hyperthermia Susceptibility. Identifiers: Orphanet 423, MedGen C2930980, MONDO:0007783, OMIM 145600.

Submission:

All of Us Research Program, National Institutes of Health
Classification: Likely benign for Malignant hyperthermia, susceptibility to, 1. Last evaluated: 2024-02-22. Review status: criteria provided, single submitter. Criteria: ACMG Guidelines, 2015. Collection method: clinical testing. Allele origin: germline. Inheritance: Autosomal dominant inheritance. Observed: 1 variant allele, 1 heterozygote.
Comment: This study involves interpretation of variants in research participants for the purpose of population health screening. Participant phenotype was not available at the time of variant classification. Additional details can be found in publication PMID: 35346344, PMCID: PMC8962531

NM_000540.3(RYR1):c.12015C>T (p.Asp4005=)

Gene: RYR1 (ryanodine receptor 1; plus strand). Cytogenetic location: 19q13.2.
Variant type: single nucleotide variant.
Coding change: c.12015C>T on transcript NM_000540.3 (MANE Select); coding-DNA position 12015, C replaced by T.
Protein change: p.Asp4005=; no amino-acid change (aspartic acid 4005 retained).
Molecular consequence: synonymous variant.
Genome position (GRCh38, 1-based): chr19:38,546,447, C>T. VCF-style: chr19-38546447-C-T. GRCh37 (hg19) VCF-style: chr19-39037087-C-T.
Other names: c.12000C>T, p.Asp4000= (NM_001042723.2).
Identifiers: ClinVar variation 3385575 (VCV003385575.1).